The following is an entry in ClinVar:

NM_004076.5(CRYBB3):c.503G>A (p.Gly168Glu)

Gene: CRYBB3 (crystallin beta B3; plus strand). Cytogenetic location: 22q11.23.
Variant type: single nucleotide variant.
Coding change: c.503G>A on transcript NM_004076.5 (MANE Select); coding-DNA position 503, G replaced by A.
Protein change: p.Gly168Glu; replaces glycine 168 with glutamic acid.
Molecular consequence: missense variant.
Genome position (GRCh38, 1-based): chr22:25,207,079, G>A. VCF-style: chr22-25207079-G-A. GRCh37 (hg19) VCF-style: chr22-25603046-G-A.
Other names: short protein forms G168E.
Identifiers: ClinVar variation 1000861 (VCV001000861.8), dbSNP rs1935047601, ClinGen allele CA410985618.
Genomic context (GRCh38, chr22:25,207,079, plus strand): 5'-CCACATCTCAACCTTGGTCTCCCGGCAGGTGGGTTGGCTATGAGTTCCCCGGCTACCGTG[G>A]GCGCCAGTACGTGTTTGAGCGGGGCGAGTACCGCCACTGGAATGAGTGGGACGCCAGCCA-3'
Protein context (NP_004067.1, residues 158-178): WVGYEFPGYR[Gly168Glu]RQYVFERGEY

ClinVar aggregate classification (germline): Uncertain significance (1 of 4 stars; one submission).

Conditions:
Cataract 22 multiple types. Also called: CATARACT 22, MULTIPLE TYPES, AUTOSOMAL DOMINANT; CATARACT 22, NUCLEAR, AUTOSOMAL RECESSIVE; Cataract 22. Identifiers: Orphanet 91492, MedGen C1857853, MONDO:0012336, OMIM 609741.

Submission:

Labcorp Genetics (formerly Invitae), Labcorp
Classification: Uncertain significance for Cataract 22 multiple types. Last evaluated: 2020-04-26. Review status: criteria provided, single submitter. Criteria: Invitae Variant Classification Sherloc (09022015). Collection method: clinical testing. Allele origin: germline.
Comment: In summary, the available evidence is currently insufficient to determine the role of this variant in disease. Therefore, it has been classified as a Variant of Uncertain Significance. This sequence change replaces glycine with glutamic acid at codon 168 of the CRYBB3 protein (p.Gly168Glu). The glycine residue is highly conserved and there is a moderate physicochemical difference between glycine and glutamic acid. This variant is not present in population databases (ExAC no frequency). This variant has not been reported in the literature in individuals with CRYBB3-related conditions. Algorithms developed to predict the effect of missense changes on protein structure and function are either unavailable or do not agree on the potential impact of this missense change (SIFT: "Deleterious"; PolyPhen-2: "Probably Damaging"; Align-GVGD: "Class C0").